The following is an entry in ClinVar:

NM_000153.4(GALC):c.1252-166G>A

Gene: GALC (galactosylceramidase; minus strand). Cytogenetic location: 14q31.3.
Variant type: single nucleotide variant.
Coding change: c.1252-166G>A on transcript NM_000153.4 (MANE Select); 166 bases into the intron before coding-DNA position 1252, G replaced by A.
Molecular consequence: intron variant.
Genome position (GRCh38, 1-based): chr14:87,950,097, C>T on the plus strand (G>A on the coding strand, the complement: GALC is on the minus strand). VCF-style: chr14-87950097-C-T. GRCh37 (hg19) VCF-style: chr14-88416441-C-T.
Other names: c.1174-166G>A (NM_001201402.2); c.1183-166G>A (NM_001201401.2).
Identifiers: ClinVar variation 680299 (VCV000680299.2), dbSNP rs451073, ClinGen allele CA264688054.

ClinVar aggregate classification (germline): Benign. Review status: criteria provided, multiple submitters, no conflicts (2 of 4 stars). 2 submissions from 2 submitters: Benign (2). Last evaluated 2018-06-19.

Allele frequency attached by ClinVar (database versions not stated): TOPMed 0.95408; 1000 Genomes Project 30x 0.95425; gnomAD 0.95595 and 0.95887; 1000 Genomes Project 0.95667.
gnomAD v4.1: 145,857 of 152,056 alleles (96%); highest among the groups gnomAD compares: East Asian, 100%; 70,251 homozygotes.

Submissions (2):

GeneDx
Classification: Benign. Last evaluated: 2018-06-19. Review status: criteria provided, single submitter. Criteria: GeneDx Variant Classification (06012015). Collection method: clinical testing. Allele origin: germline. Affected: yes.
Comment: This variant is considered likely benign or benign based on one or more of the following criteria: it is a conservative change, it occurs at a poorly conserved position in the protein, it is predicted to be benign by multiple in silico algorithms, and/or has population frequency not consistent with disease.

Breakthrough Genomics
Classification: Benign. Review status: criteria provided, single submitter. Criteria: ACMG Guidelines, 2015. Collection method: not provided. Allele origin: germline. Inheritance: Autosomal recessive inheritance. Affected: yes.